The following is an entry in ClinVar:

ClinVar aggregate classification (germline): Uncertain significance (1 of 4 stars; one submission).

gnomAD v4.1: 9 of 1,207,772 alleles (0.00075%); highest among the groups gnomAD compares: South Asian, 0.0018%; no homozygotes.

Submission:

Labcorp Genetics (formerly Invitae), Labcorp
Classification: Uncertain significance. Last evaluated: 2024-06-03. Review status: criteria provided, single submitter. Criteria: Invitae Variant Classification Sherloc (09022015). Collection method: clinical testing. Allele origin: germline.
Comment: This sequence change replaces lysine, which is basic and polar, with glutamine, which is neutral and polar, at codon 365 of the SMS protein (p.Lys365Gln). This variant is present in population databases (rs776987766, gnomAD 0.01%), including at least one homozygous and/or hemizygous individual. This variant has not been reported in the literature in individuals affected with SMS-related conditions. An algorithm developed to predict the effect of missense changes on protein structure and function (PolyPhen-2) suggests that this variant is likely to be tolerated. In summary, the available evidence is currently insufficient to determine the role of this variant in disease. Therefore, it has been classified as a Variant of Uncertain Significance.

NM_004595.5(SMS):c.1093A>C (p.Lys365Gln)

Gene: SMS (spermine synthase; plus strand). Cytogenetic location: Xp22.11.
Variant type: single nucleotide variant.
Coding change: c.1093A>C on transcript NM_004595.5 (MANE Select); coding-DNA position 1093, A replaced by C.
Protein change: p.Lys365Gln; replaces lysine 365 with glutamine.
Molecular consequence: missense variant.
Genome position (GRCh38, 1-based): chrX:21,994,343, A>C. VCF-style: chrX-21994343-A-C. GRCh37 (hg19) VCF-style: chrX-22012461-A-C.
Other names: c.934A>C, p.Lys312Gln (NM_001258423.2); short protein forms K312Q, K365Q.
Identifiers: ClinVar variation 3616516 (VCV003616516.2).